The following is an entry in ClinVar:

ClinVar aggregate classification (germline): Conflicting classifications of pathogenicity. Review status: criteria provided, conflicting classifications (1 of 4 stars). 2 submissions from 2 submitters: Uncertain significance (1); Likely benign (1). Last evaluated 2025-02-25.

Conditions:
Primary dilated cardiomyopathy (DCM). Also called: Dilated Cardiomyopathy. Identifiers: Orphanet 217604, MedGen C0007193, MeSH D002311, MONDO:0005021, HP:0001644. Inheritance: Various modes of inheritance.

Allele frequency attached by ClinVar (database versions not stated): TOPMed below 0.00001.
gnomAD v4.1: 18 of 1,613,354 alleles (0.0011%); highest among the groups gnomAD compares: Non-Finnish European, 0.0015%; no homozygotes.

Submissions (2):

Labcorp Genetics (formerly Invitae), Labcorp
Classification: Uncertain significance for Primary dilated cardiomyopathy. Last evaluated: 2025-02-25. Review status: criteria provided, single submitter. Criteria: Invitae Variant Classification Sherloc (09022015). Collection method: clinical testing. Allele origin: germline.
Comment: This sequence change affects codon 886 of the NEBL mRNA. It is a 'silent' change, meaning that it does not change the encoded amino acid sequence of the NEBL protein. This variant is present in population databases (no rsID available, gnomAD 0.002%). This variant has not been reported in the literature in individuals affected with NEBL-related conditions. ClinVar contains an entry for this variant (Variation ID: 1794405). Algorithms developed to predict the effect of sequence changes on RNA splicing suggest that this variant may disrupt the consensus splice site. In summary, the available evidence is currently insufficient to determine the role of this variant in disease. Therefore, it has been classified as a Variant of Uncertain Significance.

Ambry Genetics
Classification: Likely benign. Last evaluated: 2020-10-03. Review status: criteria provided, single submitter. Criteria: Ambry Variant Classification Scheme 2023. Collection method: clinical testing. Allele origin: germline.

NM_006393.3(NEBL):c.2658C>T (p.Ser886=)

Gene: NEBL (nebulette; minus strand). Cytogenetic location: 10p12.31.
Variant type: single nucleotide variant.
Coding change: c.2658C>T on transcript NM_006393.3 (MANE Select); coding-DNA position 2658, C replaced by T.
Protein change: p.Ser886=; no amino-acid change (serine 886 retained).
Molecular consequence: synonymous variant. On other transcripts: intron variant (9).
Genome position (GRCh38, 1-based): chr10:20,808,613, G>A on the plus strand (C>T on the coding strand, the complement: NEBL is on the minus strand). VCF-style: chr10-20808613-G-A. GRCh37 (hg19) VCF-style: chr10-21097542-G-A.
Other names: c.421+4156C>T (NM_001377326.1, NM_001377327.1, NM_001377328.1); c.529+4156C>T (NM_213569.2, NM_001173484.2); c.622+1193C>T (NM_001377322.1); c.472+4156C>T (NM_001377324.1); c.463+4156C>T (NM_001377325.1); c.481+4156C>T (NM_001377323.1).
Identifiers: ClinVar variation 1794405 (VCV001794405.3), dbSNP rs1367210165, ClinGen allele CA468445164.